The following is an entry in ClinVar:

NM_000433.4(NCF2):c.1552G>C (p.Asp518His)

Gene: NCF2 (neutrophil cytosolic factor 2; minus strand). Cytogenetic location: 1q25.3.
Variant type: single nucleotide variant.
Coding change: c.1552G>C on transcript NM_000433.4 (MANE Select); coding-DNA position 1552, G replaced by C.
Protein change: p.Asp518His; replaces aspartic acid 518 with histidine.
Molecular consequence: missense variant.
Genome position (GRCh38, 1-based): chr1:183,556,147, C>G on the plus strand (G>C on the coding strand, the complement: NCF2 is on the minus strand). VCF-style: chr1-183556147-C-G. GRCh37 (hg19) VCF-style: chr1-183525282-C-G.
Other names: c.1552G>C, p.Asp518His (NM_001127651.3); c.1309G>C, p.Asp437His (NM_001190789.2); c.1417G>C, p.Asp473His (NM_001190794.2); short protein forms D518H, D473H, D437H.
Identifiers: ClinVar variation 294073 (VCV000294073.17), dbSNP rs143901397, ClinGen allele CA1284569.

ClinVar aggregate classification (germline): Likely benign. Review status: criteria provided, multiple submitters, no conflicts (2 of 4 stars). 4 submissions from 4 submitters: Likely benign (4). Last evaluated 2026-06-23.

Conditions:
NCF2-related disorder. Also called: NCF2-related condition.
Granulomatous disease, chronic, autosomal recessive, cytochrome b-positive, type 2. Also called: GRANULOMATOUS DISEASE, CHRONIC, AUTOSOMAL RECESSIVE, 2; Chronic Granulomatous Disease, Autosomal Recessive, Cytochrome b-Positive, Type II; CGD, AUTOSOMAL RECESSIVE CYTOCHROME b-POSITIVE, TYPE II; GRANULOMATOUS DISEASE, CHRONIC, DUE TO NCF2 DEFICIENCY; Chronic granulomatous disease due to deficiency of NCF-2. Identifiers: Orphanet 379, MedGen C1856245, MONDO:0009310, OMIM 233710.

Allele frequency attached by ClinVar (database versions not stated): gnomAD exomes 0.00016 and 0.00049; ExAC 0.00056; ESP Exome Variant Server 0.00123; gnomAD 0.00144 and 0.00151; 1000 Genomes Project 0.00160; TOPMed 0.00165; 1000 Genomes Project 30x 0.00203.
gnomAD v4.1: 464 of 1,614,180 alleles (0.029%); highest among the groups gnomAD compares: African/African-American, 0.43%; 2 homozygotes.

Submissions (4):

PreventionGenetics, part of Exact Sciences
Classification: Likely benign for NCF2-related condition. Last evaluated: 2026-06-23. Review status: criteria provided, single submitter. Criteria: ACMG Guidelines, 2015. Collection method: clinical testing. Allele origin: germline.
Comment: This variant is classified as likely benign based on ACMG/AMP sequence variant interpretation guidelines (Richards et al. 2015 PMID: 25741868, with internal and published modifications).

Labcorp Genetics (formerly Invitae), Labcorp
Classification: Likely benign for Granulomatous disease, chronic, autosomal recessive, cytochrome b-positive, type 2. Last evaluated: 2026-01-22. Review status: criteria provided, single submitter. Criteria: Invitae Variant Classification Sherloc (09022015). Collection method: clinical testing. Allele origin: germline.

Blueprint Genetics
Classification: Likely benign. Last evaluated: 2023-11-09. Review status: criteria provided, single submitter. Criteria: ACMG Guidelines, 2015. Collection method: clinical testing. Allele origin: germline.

Illumina Laboratory Services, Illumina
Classification: Likely benign for Granulomatous disease, chronic, autosomal recessive, cytochrome b-positive, type 2. Last evaluated: 2018-01-13. Review status: criteria provided, single submitter. Criteria: ICSL Variant Classification Criteria 13 December 2019. Collection method: clinical testing. Allele origin: germline.
Comment: This variant was observed in the ICSL laboratory as part of a predisposition screen in an ostensibly healthy population. It had not been previously curated by ICSL or reported in the Human Gene Mutation Database (HGMD: prior to June 1st, 2018), and was therefore a candidate for classification through an automated scoring system. Utilizing variant allele frequency, disease prevalence and penetrance estimates, and inheritance mode, an automated score was calculated to assess if this variant is too frequent to cause the disease. Based on the score and internal cut-off values, a variant classified as likely benign is not then subjected to further curation. The score for this variant resulted in a classification of likely benign for this disease.